The following is an entry in ClinVar:

NC_000009.12:g.109167279T>A

Gene: FRRS1L (ferric chelate reductase 1 like; minus strand). Cytogenetic location: 9q31.3.
Variant type: single nucleotide variant.
Genome position: GRCh38 VCF-style: chr9-109167279-T-A. GRCh37 (hg19) VCF-style: chr9-111929559-T-A.
Identifiers: ClinVar variation 1001972 (VCV001001972.6), dbSNP rs943215649, ClinGen allele CA197585308.
Genomic context (GRCh38, chr9:109,167,279, plus strand): 5'-CGAGGCCACCAGCACGCGCCCGCGCAGCCGCGGAGCCTCCCGCACCCCCGCCTCCCTGCC[T>A]CGGTCTGCGCATCCTCGCTCCAGCACCGCAGCCTCCCCCTTCTTCTTGGAACCCCCCTCC-3'

ClinVar aggregate classification (germline): Uncertain significance. Review status: criteria provided, multiple submitters, no conflicts (2 of 4 stars). 3 submissions from 3 submitters: Uncertain significance (3). Last evaluated 2024-10-07.

Conditions:
Developmental and epileptic encephalopathy, 37 (DEE37). Also called: Epileptic encephalopathy, early infantile, 37. Identifiers: MedGen C4310770, MONDO:0014859, OMIM 616981.
Inborn genetic diseases. Identifiers: MedGen C0950123, MeSH D030342.

Allele frequency attached by ClinVar (database versions not stated): TOPMed 0.00002; gnomAD exomes 0.00006.

Submissions (3):

Ambry Genetics
Classification: Uncertain significance for Inborn genetic diseases. Last evaluated: 2024-10-07. Review status: criteria provided, single submitter. Criteria: Ambry Variant Classification Scheme 2023. Collection method: clinical testing. Allele origin: germline.

GeneDx
Classification: Uncertain significance. Last evaluated: 2023-10-24. Review status: criteria provided, single submitter. Criteria: GeneDx Variant Classification Process June 2021. Collection method: clinical testing. Allele origin: germline. Affected: yes.
Comment: Not observed at significant frequency in large population cohorts (gnomAD); In silico analysis supports that this missense variant does not alter protein structure/function; Has not been previously published as pathogenic or benign to our knowledge

Labcorp Genetics (formerly Invitae), Labcorp
Classification: Uncertain significance for Developmental and epileptic encephalopathy, 37. Last evaluated: 2022-06-04. Review status: criteria provided, single submitter. Criteria: Invitae Variant Classification Sherloc (09022015). Collection method: clinical testing. Allele origin: germline.
Comment: This sequence change replaces arginine, which is basic and polar, with tryptophan, which is neutral and slightly polar, at codon 5 of the FRRS1L protein (p.Arg5Trp). The frequency data for this variant in the population databases is considered unreliable, as metrics indicate poor data quality at this position in the gnomAD database. This variant has not been reported in the literature in individuals affected with FRRS1L-related conditions. ClinVar contains an entry for this variant (Variation ID: 1001972). Algorithms developed to predict the effect of missense changes on protein structure and function are either unavailable or do not agree on the potential impact of this missense change (SIFT: "Deleterious"; PolyPhen-2: "Not Available"; Align-GVGD: "Class C0"). In summary, the available evidence is currently insufficient to determine the role of this variant in disease. Therefore, it has been classified as a Variant of Uncertain Significance.